The following is an entry in ClinVar:

ClinVar aggregate classification (germline): Uncertain significance (1 of 4 stars; one submission).

Conditions:
Hereditary cancer-predisposing syndrome. Also called: Neoplastic Syndromes, Hereditary; Tumor predisposition; Hereditary Cancer Syndrome; Hereditary neoplastic syndrome. Identifiers: Orphanet 140162, MedGen C0027672, MeSH D009386, MONDO:0015356.

Submission:

Ambry Genetics
Classification: Uncertain significance for Hereditary cancer-predisposing syndrome. Last evaluated: 2025-08-04. Review status: criteria provided, single submitter. Criteria: Ambry Variant Classification Scheme 2023. Collection method: clinical testing. Allele origin: germline.
Comment: The p.T1368P variant (also known as c.4102A>C), located in coding exon 15 of the APC gene, results from an A to C substitution at nucleotide position 4102. The threonine at codon 1368 is replaced by proline, an amino acid with highly similar properties. This amino acid position is highly conserved in available vertebrate species. In addition, in silico predictors for this gene do not accurately predict pathogenicity. Missense alterations in APC are not a common cause of disease (Spier I et al. Genet Med. 2024 Feb;26(2):100992). Since supporting evidence is limited at this time, the clinical significance of this alteration remains unclear.

NM_000038.6(APC):c.4102A>C (p.Thr1368Pro)

Gene: APC (APC regulator of Wnt signaling pathway; plus strand). Cytogenetic location: 5q22.2.
Variant type: single nucleotide variant.
Coding change: c.4102A>C on transcript NM_000038.6 (MANE Select); coding-DNA position 4102, A replaced by C.
Protein change: p.Thr1368Pro; replaces threonine 1368 with proline.
Molecular consequence: missense variant.
Genome position (GRCh38, 1-based): chr5:112,839,696, A>C. VCF-style: chr5-112839696-A-C. GRCh37 (hg19) VCF-style: chr5-112175393-A-C.
Other names: c.4102A>C, p.Thr1368Pro (NM_001127510.3, NM_001354895.2, NM_001407450.1); c.4048A>C, p.Thr1350Pro (NM_001127511.3); c.4156A>C, p.Thr1386Pro (NM_001354896.2, NM_001407447.1, NM_001407448.1 and 1 more transcripts); c.4132A>C, p.Thr1378Pro (NM_001354897.2); c.4027A>C, p.Thr1343Pro (NM_001354898.2); c.4018A>C, p.Thr1340Pro (NM_001354899.2); c.3979A>C, p.Thr1327Pro (NM_001354900.2); c.3925A>C, p.Thr1309Pro (NM_001354901.2, NM_001407453.1); and 11 more; short protein forms T1242P, T1277P, T1327P, T1340P, T1368P, T1085P, T1239P, T1267P.
Identifiers: ClinVar variation 1737863 (VCV001737863.3), dbSNP rs2149906520, ClinGen allele CA16030314.
Genomic context (GRCh38, chr5:112,839,696, plus strand): 5'-AGGCACAAAGCTGTTGAATTTTCTTCAGGAGCGAAATCTCCCTCCAAAAGTGGTGCTCAG[A>C]CACCCAAAAGTCCACCTGAACACTATGTTCAGGAGACCCCACTCATGTTTAGCAGATGTA-3'
Protein context (NP_000029.2, residues 1358-1378): AKSPSKSGAQ[Thr1368Pro]PKSPPEHYVQ